The following is an entry in ClinVar:

NM_014319.5(LEMD3):c.*688T>C

Gene: LEMD3 (LEM domain containing 3; plus strand). Cytogenetic location: 12q14.3.
Variant type: single nucleotide variant.
Coding change: c.*688T>C on transcript NM_014319.5 (MANE Select); 688 bases downstream of the stop codon, T replaced by C.
Molecular consequence: 3 prime UTR variant.
Genome position (GRCh38, 1-based): chr12:65,247,013, T>C. VCF-style: chr12-65247013-T-C. GRCh37 (hg19) VCF-style: chr12-65640793-T-C.
Other names: c.*688T>C (NM_001167614.2).
Identifiers: ClinVar variation 310248 (VCV000310248.5), dbSNP rs188087693, ClinGen allele CA10633485.

ClinVar aggregate classification (germline): Benign (1 of 4 stars; one submission).

Conditions:
Dermatofibrosis lenticularis disseminata (BOS). Also called: DERMATOFIBROSIS LENTICULARIS DISSEMINATA WITH OSTEOPOIKILOSIS; DERMATOOSTEOPOIKILOSIS; OSTEOPATHIA CONDENSANS DISSEMINATA. Identifiers: Orphanet 1306, MedGen C0265514, MONDO:0008157, OMIM 166700.

Allele frequency attached by ClinVar (database versions not stated): gnomAD 0.00002; TOPMed 0.00007; 1000 Genomes Project 0.00040; 1000 Genomes Project 30x 0.00047.
gnomAD v4.1: 3 of 153,340 alleles (0.002%); highest among the groups gnomAD compares: East Asian, 0.038%; no homozygotes.

Submission:

Illumina Laboratory Services, Illumina
Classification: Benign for Dermatofibrosis lenticularis disseminata. Last evaluated: 2018-01-13. Review status: criteria provided, single submitter. Criteria: ICSL Variant Classification Criteria 13 December 2019. Collection method: clinical testing. Allele origin: germline.
Comment: This variant was observed in the ICSL laboratory as part of a predisposition screen in an ostensibly healthy population. It had not been previously curated by ICSL or reported in the Human Gene Mutation Database (HGMD: prior to June 1st, 2018), and was therefore a candidate for classification through an automated scoring system. Utilizing variant allele frequency, disease prevalence and penetrance estimates, and inheritance mode, an automated score was calculated to assess if this variant is too frequent to cause the disease. Based on the score and internal cut-off values, a variant classified as benign is not then subjected to further curation. The score for this variant resulted in a classification of benign for this disease.